The following is an entry in ClinVar:

NC_000016.9:g.(?_75575228)_(75579413_?)dup

Gene: TMEM231 (transmembrane protein 231; minus strand). Cytogenetic location: 16q23.1.
Variant type: Duplication.
Identifiers: ClinVar variation 1502107 (VCV001502107.4).

ClinVar aggregate classification (germline): Likely pathogenic (1 of 4 stars; one submission).

Conditions:
Joubert syndrome 20 (JBTS20). Identifiers: Orphanet 475, MedGen C3554235, MONDO:0013994, OMIM 614970.
Meckel syndrome, type 11 (MKS11). Identifiers: Orphanet 564, MedGen C3809352, MONDO:0014164, OMIM 615397.

Submission:

Labcorp Genetics (formerly Invitae), Labcorp
Classification: Likely pathogenic for Joubert syndrome 20; Meckel syndrome, type 11. Last evaluated: 2021-03-25. Review status: criteria provided, single submitter. Criteria: Invitae Variant Classification Sherloc (09022015). Collection method: clinical testing. Allele origin: germline.
Comment: In summary, the currently available evidence indicates that the variant is pathogenic, but additional data are needed to prove that conclusively. Therefore, this variant has been classified as Likely Pathogenic. This variant has not been reported in the literature in individuals with TMEM231-related conditions. This variant results in a copy number gain of the genomic region encompassing exon(s) 3-5 of the TMEM231 gene. While the exact position of this variant cannot be determined from the data, sub-genic copy number gains are generally in tandem (PMID: 25640679). This variant is predicted to be out-of-frame, and may result in an absent or disrupted protein product. Loss-of-function variants in TMEM231 are known to be pathogenic (PMID: 23012439, 23349226).

Literature cited by the submitters: PubMed 25640679; PubMed 23012439; PubMed 23349226.